The following is an entry in ClinVar:

NM_000069.3(CACNA1S):c.2647A>G (p.Met883Val)

Gene: CACNA1S (calcium voltage-gated channel subunit alpha1 S; minus strand). Cytogenetic location: 1q32.1.
Variant type: single nucleotide variant.
Coding change: c.2647A>G on transcript NM_000069.3 (MANE Select); coding-DNA position 2647, A replaced by G.
Protein change: p.Met883Val; replaces methionine 883 with valine.
Molecular consequence: missense variant.
Genome position (GRCh38, 1-based): chr1:201,066,897, T>C on the plus strand (A>G on the coding strand, the complement: CACNA1S is on the minus strand). VCF-style: chr1-201066897-T-C. GRCh37 (hg19) VCF-style: chr1-201036025-T-C.
Other names: short protein forms M883V.
Identifiers: ClinVar variation 955837 (VCV000955837.9), dbSNP rs553593355, ClinGen allele CA079155.

ClinVar aggregate classification (germline): Conflicting classifications of pathogenicity. Review status: criteria provided, conflicting classifications (1 of 4 stars). 4 submissions from 4 submitters: Uncertain significance (3); Benign (1). Last evaluated 2026-07-01.

Conditions:
Hypokalemic periodic paralysis, type 1. Also called: HypoPP; Hypokalemic Periodic Paralysis Type 1 (AD). Identifiers: Orphanet 681, MedGen C3714580, MONDO:0042979, OMIM 170400.
Thyrotoxic periodic paralysis, susceptibility to, 1 (TTPP1). Identifiers: Orphanet 79102, MedGen C2749982, MONDO:0008570, OMIM 188580.
Malignant hyperthermia, susceptibility to, 5 (MHS5). Also called: CACNA1S-Related Malignant Hyperthermia Susceptibility. Identifiers: Orphanet 423, MedGen C1866077, MONDO:0011163, OMIM 601887.
Inborn genetic diseases. Identifiers: MedGen C0950123, MeSH D030342.

Allele frequency attached by ClinVar (database versions not stated): 1000 Genomes Project 0.00040; TOPMed 0.00006; 1000 Genomes Project 30x 0.00031.
gnomAD v4.1: 19 of 1,612,186 alleles (0.0012%); highest among the groups gnomAD compares: African/African-American, 0.019%; no homozygotes.

Submissions (4):

Ambry Genetics
Classification: Uncertain significance for Inborn genetic diseases. Last evaluated: 2026-07-01. Review status: criteria provided, single submitter. Criteria: Ambry Variant Classification Scheme 2023. Collection method: clinical testing. Allele origin: germline.
Comment: The p.M883V variant (also known as c.2647A>G), located in coding exon 20 of the CACNA1S gene, results from an A to G substitution at nucleotide position 2647. The methionine at codon 883 is replaced by valine, an amino acid with highly similar properties. This amino acid position is conserved. In addition, the in silico prediction for this alteration is inconclusive. Based on the available evidence, the clinical significance of this variant remains unclear.

Color Diagnostics, LLC DBA Color Health
Classification: Uncertain significance for Malignant hyperthermia, susceptibility to, 5. Last evaluated: 2025-11-24. Review status: criteria provided, single submitter. Criteria: ACMG Guidelines, 2015. Collection method: clinical testing. Allele origin: germline.
Comment: This missense variant replaces methionine with valine at codon 883 of the CACNA1S protein. Computational prediction suggests that this variant may have deleterious impact on protein structure and function. To our knowledge, functional studies have not been reported for this variant. This variant has not been reported in individuals affected with CACNA1S-related disorders in the literature. This variant has not been identified in the general population by the Genome Aggregation Database (gnomAD). The available evidence is insufficient to determine the role of this variant in disease conclusively. Therefore, this variant is classified as a Variant of Uncertain Significance.

Labcorp Genetics (formerly Invitae), Labcorp
Classification: Benign for Hypokalemic periodic paralysis, type 1; Malignant hyperthermia, susceptibility to, 5. Last evaluated: 2025-03-13. Review status: criteria provided, single submitter. Criteria: Invitae Variant Classification Sherloc (09022015). Collection method: clinical testing. Allele origin: germline.

Fulgent Genetics
Classification: Uncertain significance for Hypokalemic periodic paralysis, type 1; Thyrotoxic periodic paralysis, susceptibility to, 1; Malignant hyperthermia, susceptibility to, 5. Last evaluated: 2021-12-07. Review status: criteria provided, single submitter. Criteria: ACMG Guidelines, 2015. Collection method: clinical testing. Allele origin: unknown.